The following is an entry in ClinVar:

ClinVar aggregate classification (germline): Uncertain significance. Review status: criteria provided, multiple submitters, no conflicts (2 of 4 stars). 2 submissions from 2 submitters: Uncertain significance (2). Last evaluated 2025-11-11.

gnomAD v4.1: 125 of 1,606,670 alleles (0.0078%); highest among the groups gnomAD compares: African/African-American, 0.065%; no homozygotes.

Submissions (2):

Labcorp Genetics (formerly Invitae), Labcorp
Classification: Uncertain significance. Last evaluated: 2025-11-11. Review status: criteria provided, single submitter. Criteria: Invitae Variant Classification Sherloc (09022015). Collection method: clinical testing. Allele origin: germline.
Comment: This sequence change replaces threonine, which is neutral and polar, with methionine, which is neutral and non-polar, at codon 186 of the CD96 protein (p.Thr186Met). This variant is present in population databases (rs145204219, gnomAD 0.08%), and has an allele count higher than expected for a pathogenic variant. This variant has not been reported in the literature in individuals affected with CD96-related conditions. ClinVar contains an entry for this variant (Variation ID: 4223102). An algorithm developed to predict the effect of missense changes on protein structure and function (PolyPhen-2) suggests that this variant is likely to be tolerated. In summary, the available evidence is currently insufficient to determine the role of this variant in disease. Therefore, it has been classified as a Variant of Uncertain Significance.

Ambry Genetics
Classification: Uncertain significance. Last evaluated: 2025-08-12. Review status: criteria provided, single submitter. Criteria: Ambry Variant Classification Scheme 2023. Collection method: clinical testing. Allele origin: germline.

NM_005816.5(CD96):c.544-1512C>T

Gene: CD96 (CD96 molecule; plus strand). Cytogenetic location: 3q13.13.
Variant type: single nucleotide variant.
Coding change: c.544-1512C>T on transcript NM_005816.5 (MANE Select); 1512 bases into the intron before coding-DNA position 544, C replaced by T.
Molecular consequence: intron variant. On other transcripts: missense variant (1).
Genome position (GRCh38, 1-based): chr3:111,577,515, C>T. VCF-style: chr3-111577515-C-T. GRCh37 (hg19) VCF-style: chr3-111296362-C-T.
Other names: c.557C>T, p.Thr186Met (NM_198196.3); c.544-1512C>T (NM_001410800.1, NM_001318889.2); short protein forms T186M.
Identifiers: ClinVar variation 4223102 (VCV004223102.2).
Genomic context (GRCh38, chr3:111,577,515, plus strand): 5'-TCTGTAATACAGTCTTTCTCCCTTCTTCTTTTGCTCTTCTTCCTTAGGAAAACAGCAGCA[C>T]GGATTCTTGGGTCCTTCTTTCTAAGGGTATAAAGGTATGTAAATTGCTGCAGGAAAAAGA-3'